The following is an entry in ClinVar:

ClinVar aggregate classification (germline): Likely pathogenic (1 of 4 stars; one submission).

Conditions:
PIEZO2-related disorder. Also called: PIEZO2-related condition; PIEZO2-related disorders.

Submission:

Women's Health and Genetics/Laboratory Corporation of America, LabCorp
Classification: Likely pathogenic for PIEZO2-Related Disorders. Last evaluated: 2023-07-03. Review status: criteria provided, single submitter. Criteria: LabCorp Variant Classification Summary - May 2015. Collection method: clinical testing. Allele origin: germline.
Comment: Variant summary: FAM38B c.487G>A (p.Glu163Lys) results in a conservative amino acid change in the encoded protein sequence. Three of five in-silico tools predict a benign effect of the variant on protein function. The variant was absent in 174544 control chromosomes (gnomAD). No submitters have cited clinical-significance assessments for this variant to ClinVar after 2014. Based on the evidence outlined above, the variant was classified as likely pathogenic.

NM_001378183.1(PIEZO2):c.487G>A (p.Glu163Lys)

Gene: PIEZO2 (piezo type mechanosensitive ion channel component 2; minus strand). Cytogenetic location: 18p11.22.
Variant type: single nucleotide variant.
Coding change: c.487G>A on transcript NM_001378183.1 (MANE Select); coding-DNA position 487, G replaced by A.
Protein change: p.Glu163Lys; replaces glutamic acid 163 with lysine.
Molecular consequence: missense variant.
Genome position (GRCh38, 1-based): chr18:10,871,258, C>T on the plus strand (G>A on the coding strand, the complement: PIEZO2 is on the minus strand). VCF-style: chr18-10871258-C-T. GRCh37 (hg19) VCF-style: chr18-10871256-C-T.
Other names: c.487G>A, p.Glu163Lys (NM_001410871.1, NM_022068.4); short protein forms E163K.
Identifiers: ClinVar variation 2577145 (VCV002577145.1), dbSNP rs2510999732, ClinGen allele CA402029766.